The following is an entry in ClinVar:

NM_007294.4(BRCA1):c.2933dup (p.Tyr978Ter)

Gene: BRCA1 (BRCA1 DNA repair associated; minus strand). Cytogenetic location: 17q21.31.
Variant type: Duplication.
Coding change: c.2933dup on transcript NM_007294.4 (MANE Select); coding-DNA position 2933, one base duplicated (A; older notation c.2933dupA).
Protein change: p.Tyr978Ter; replaces tyrosine 978 with a stop codon.
Molecular consequence: nonsense. On other transcripts: intron variant (137), frameshift variant (1).
Genome position (GRCh38, 1-based): chr17:43,092,598, T duplicated on the plus strand (A on the coding strand, the reverse complement: BRCA1 is on the minus strand). VCF-style (leftmost placement, unchanged base first): chr17-43092597-A-AT. GRCh37 (hg19) VCF-style: chr17-41244614-A-AT.
Other names: 3052insA; c.2720dup, p.Tyr907Ter (NM_001407571.1, NM_001407853.1, NM_001407894.1 and 9 more transcripts); c.2933dup, p.Tyr978Ter (NM_001407581.1, NM_001407582.1, NM_001407583.1 and 30 more transcripts); c.2930dup, p.Tyr977Ter (NM_001407587.1, NM_001407590.1, NM_001407591.1 and 22 more transcripts); c.2924dup, p.Tyr975Ter (NM_001407646.1, NM_001407647.1); c.2810dup, p.Tyr937Ter (NM_001407648.1, NM_001407664.1, NM_001407665.1 and 19 more transcripts); c.2807dup, p.Tyr936Ter (NM_001407649.1, NM_001407670.1, NM_001407671.1 and 11 more transcripts); c.2855dup, p.Tyr952Ter (NM_001407653.1, NM_001407654.1, NM_001407655.1 and 4 more transcripts); and 43 more; short protein forms Y931*, Y978*, Y866*, Y810*, Y910*, Y930*, Y975*, Y682*.
Identifiers: ClinVar variation 236270 (VCV000236270.50), dbSNP rs878853292, ClinGen allele CA10581600.

ClinVar aggregate classification (germline): Pathogenic. Review status: reviewed by expert panel (3 of 4 stars). 7 submissions from 7 submitters: Pathogenic (1). 6 of the submissions do not count toward it. Last evaluated 2016-04-22.

Conditions:
Pancreatic cancer, susceptibility to, 4. Identifiers: Orphanet 1333, MedGen C3280442, MONDO:0013685, OMIM 614320.
Breast-ovarian cancer, familial, susceptibility to, 1 (BROVCA1). Also called: BRCA1 Hereditary Breast and Ovarian Cancer; OVARIAN CANCER, SUSCEPTIBILITY TO. Identifiers: Orphanet 145, MedGen C2676676, MONDO:0011450, OMIM 604370. Disease mechanism: loss of function.
Fanconi anemia, complementation group S (FANCS). Identifiers: MedGen C4554406, MONDO:0054748, OMIM 617883.
Hereditary cancer-predisposing syndrome. Also called: Tumor predisposition; Hereditary Cancer Syndrome; Neoplastic Syndromes, Hereditary; Hereditary neoplastic syndrome. Identifiers: Orphanet 140162, MedGen C0027672, MeSH D009386, MONDO:0015356.
Hereditary breast ovarian cancer syndrome. Also called: Hereditary breast and ovarian cancer; Hereditary breast and ovarian cancer syndrome; Hereditary breast and ovarian cancer syndrome (HBOC); Breast and ovarian cancer; Hereditary breast and/or ovarian cancer syndrome; BRCA1- and BRCA2-Associated Hereditary Breast and Ovarian Cancer. Identifiers: Orphanet 145, MedGen C0677776, MeSH D061325, MONDO:0003582. Disease mechanism: loss of function.

Submissions (7):

Evidence-based Network for the Interpretation of Germline Mutant Alleles (ENIGMA)
Classification: Pathogenic for Breast-ovarian cancer, familial, susceptibility to, 1. Last evaluated: 2016-04-22. Review status: reviewed by expert panel. Criteria: ENIGMA BRCA1/2 Classification Criteria (2015). Collection method: curation. Allele origin: germline.
Comment: Variant allele predicted to encode a truncated non-functional protein.

Fulgent Genetics
Classification: Pathogenic for Breast-ovarian cancer, familial, susceptibility to, 1; Pancreatic cancer, susceptibility to, 4; Fanconi anemia, complementation group S. Last evaluated: 2024-02-09. Review status: criteria provided, single submitter. Criteria: ACMG Guidelines, 2015. Collection method: clinical testing. Allele origin: germline. Not counted in ClinVar's aggregate classification.

Labcorp Genetics (formerly Invitae), Labcorp
Classification: Pathogenic for Hereditary breast ovarian cancer syndrome. Last evaluated: 2022-04-06. Review status: criteria provided, single submitter. Criteria: Invitae Variant Classification Sherloc (09022015). Collection method: clinical testing. Allele origin: germline. Not counted in ClinVar's aggregate classification.
Comment: For these reasons, this variant has been classified as Pathogenic. ClinVar contains an entry for this variant (Variation ID: 236270). This premature translational stop signal has been observed in individual(s) with breast cancer (PMID: 29310832, 29335924). This variant is not present in population databases (gnomAD no frequency). This sequence change creates a premature translational stop signal (p.Tyr978*) in the BRCA1 gene. It is expected to result in an absent or disrupted protein product. Loss-of-function variants in BRCA1 are known to be pathogenic (PMID: 20104584).

CeGaT Center for Human Genetics Tuebingen
Classification: Pathogenic. Last evaluated: 2021-05-01. Review status: criteria provided, single submitter. Criteria: CeGaT Center For Human Genetics Tuebingen Variant Classification Criteria Version 2. Collection method: clinical testing. Allele origin: germline. Affected: yes. Observed: 1 variant allele. Not counted in ClinVar's aggregate classification.

Department of Molecular Diagnostics, Institute of Oncology Ljubljana
Classification: Pathogenic for Breast-ovarian cancer, familial, susceptibility to, 1. Last evaluated: 2020-04-02. Review status: criteria provided, single submitter. Criteria: ACMG Guidelines, 2015. Collection method: clinical testing. Allele origin: germline. Affected: yes. Not counted in ClinVar's aggregate classification.

Color Diagnostics, LLC DBA Color Health
Classification: Pathogenic for Hereditary cancer-predisposing syndrome. Last evaluated: 2020-01-15. Review status: criteria provided, single submitter. Criteria: ACMG Guidelines, 2015. Collection method: clinical testing. Allele origin: germline. Not counted in ClinVar's aggregate classification.
Comment: This variant is located in the BRCA1 protein. Splice site prediction tools suggest that this variant may not impact RNA splicing. This variant has not been identified in the general population by the Genome Aggregation Database (gnomAD). Loss of BRCA1 function is a known mechanism of disease. Based on the available evidence, this variant is classified as Pathogenic.

GeneKor MSA
Classification: Pathogenic. Last evaluated: 2020-01-01. Review status: criteria provided, single submitter. Criteria: ACMG Guidelines, 2015. Collection method: clinical testing. Allele origin: germline. Not counted in ClinVar's aggregate classification.
Comment: This sequence change inserts one base in exon 10 of the BRCA1 mRNA (c.2933dupA), causing a frameshift at codon 978. This creates a premature translational stop signal p.(Tyr978*) at this position and is expected to result in an absent or disrupted protein product. Truncating variants in BRCA1 are known to be pathogenic. The mutation database ClinVar contains an entry for this variant (Variation ID: 236270).

Literature cited by the submitters: PubMed 29310832 (cited by Labcorp Genetics (formerly Invitae), Labcorp); PubMed 29335924 (cited by Labcorp Genetics (formerly Invitae), Labcorp); PubMed 20104584 (cited by Labcorp Genetics (formerly Invitae), Labcorp).